The following is an entry in ClinVar:

NM_001040108.2(MLH3):c.1340G>A (p.Gly447Asp)

Gene: MLH3 (mutL homolog 3; minus strand). Cytogenetic location: 14q24.3.
Variant type: single nucleotide variant.
Coding change: c.1340G>A on transcript NM_001040108.2 (MANE Select); coding-DNA position 1340, G replaced by A.
Protein change: p.Gly447Asp; replaces glycine 447 with aspartic acid.
Molecular consequence: missense variant.
Genome position (GRCh38, 1-based): chr14:75,048,316, C>T on the plus strand (G>A on the coding strand, the complement: MLH3 is on the minus strand). VCF-style: chr14-75048316-C-T. GRCh37 (hg19) VCF-style: chr14-75515019-C-T.
Other names: c.1340G>A, p.Gly447Asp (NM_014381.3); short protein forms G447D.
Identifiers: ClinVar variation 1770356 (VCV001770356.2), dbSNP rs2503298058, ClinGen allele CA390446353.

ClinVar aggregate classification (germline): Uncertain significance (1 of 4 stars; one submission).

Allele frequency attached by ClinVar (database versions not stated): gnomAD exomes below 0.00001.
gnomAD v4.1: 1 of 1,614,040 alleles (0.000062%); highest among the groups gnomAD compares: Non-Finnish European, 0.000085%; no homozygotes.

Submission:

Ambry Genetics
Classification: Uncertain significance. Last evaluated: 2021-10-19. Review status: criteria provided, single submitter. Criteria: Ambry Variant Classification Scheme 2023. Collection method: clinical testing. Allele origin: germline.
Comment: The p.G447D variant (also known as c.1340G>A), located in coding exon 1 of the MLH3 gene, results from a G to A substitution at nucleotide position 1340. The glycine at codon 447 is replaced by aspartic acid, an amino acid with similar properties. This amino acid position is conserved. In addition, this alteration is predicted to be tolerated by in silico analysis. Since supporting evidence is limited at this time, the clinical significance of this alteration remains unclear.